The following is an entry in ClinVar:

NC_000014.8:g.(?_68200443)_(68200565_?)dup

Gene: RDH12 (retinol dehydrogenase 12; plus strand). Cytogenetic location: 14q24.1.
Variant type: Duplication.
Identifiers: ClinVar variation 2427387 (VCV002427387.3).

ClinVar aggregate classification (germline): Uncertain significance (1 of 4 stars; one submission).

Conditions:
Leber congenital amaurosis 13 (LCA13). Identifiers: MedGen C2675186, MONDO:0012990, OMIM 612712.

Submission:

Labcorp Genetics (formerly Invitae), Labcorp
Classification: Uncertain significance for Leber congenital amaurosis 13. Last evaluated: 2022-05-15. Review status: criteria provided, single submitter. Criteria: Invitae Variant Classification Sherloc (09022015). Collection method: clinical testing. Allele origin: germline.
Comment: This variant results in a copy number gain of the genomic region encompassing exon(s) 9 of the RDH12 gene. This region includes the termination codon of the gene. This copy number gain extends beyond the assayed region for this gene and therefore may encompass additional genes. As the precise location of this event is unknown, it may be in tandem or it may be located elsewhere in the genome. This variant has not been reported in the literature in individuals affected with RDH12-related conditions. In summary, the available evidence is currently insufficient to determine the role of this variant in disease. Therefore, it has been classified as a Variant of Uncertain Significance.